The following is an entry in ClinVar:

NM_006121.4(KRT1):c.1397A>G (p.Gln466Arg)

Gene: KRT1 (keratin 1; minus strand). Cytogenetic location: 12q13.13.
Variant type: single nucleotide variant.
Coding change: c.1397A>G on transcript NM_006121.4 (MANE Select); coding-DNA position 1397, A replaced by G.
Protein change: p.Gln466Arg; replaces glutamine 466 with arginine.
Molecular consequence: missense variant.
Genome position (GRCh38, 1-based): chr12:52,676,353, T>C on the plus strand (A>G on the coding strand, the complement: KRT1 is on the minus strand). VCF-style: chr12-52676353-T-C. GRCh37 (hg19) VCF-style: chr12-53070137-T-C.
Other names: short protein forms Q466R.
Identifiers: ClinVar variation 1722918 (VCV001722918.3), dbSNP rs753630553, ClinGen allele CA6586178.
Genomic context (GRCh38, chr12:52,676,353, plus strand): 5'-AGGAGGGTCCTGTAGGTGGCAATCTCCAGATCCAGGGCCAGCTTTGTGTTCATCAGCTCC[T>C]GGTAGTCGCGCAGCAGGCGGGCCAGGTCTTCCTTGGCCTGCTGCAGGGCATCCTCCAGGT-3'
Protein context (NP_006112.3, residues 456-476): EDLARLLRDY[Gln466Arg]ELMNTKLALD

ClinVar aggregate classification (germline): Uncertain significance. Review status: criteria provided, multiple submitters, no conflicts (2 of 4 stars). 2 submissions from 2 submitters: Uncertain significance (2). Last evaluated 2025-07-04.

Conditions:
Inborn genetic diseases. Identifiers: MedGen C0950123, MeSH D030342.

Allele frequency attached by ClinVar (database versions not stated): TOPMed 0.00001; ExAC 0.00002; gnomAD exomes 0.00002; gnomAD 0.00005.
gnomAD v4.1: 44 of 1,614,066 alleles (0.0027%); highest among the groups gnomAD compares: Non-Finnish European, 0.003%; no homozygotes.

Submissions (2):

Ambry Genetics
Classification: Uncertain significance for Inborn genetic diseases. Last evaluated: 2025-07-04. Review status: criteria provided, single submitter. Criteria: Ambry Variant Classification Scheme 2023. Collection method: clinical testing. Allele origin: germline.

GeneDx
Classification: Uncertain significance. Last evaluated: 2022-04-26. Review status: criteria provided, single submitter. Criteria: GeneDx Variant Classification Process June 2021. Collection method: clinical testing. Allele origin: germline. Affected: yes.
Comment: Has not been previously published as pathogenic or benign to our knowledge; In silico analysis supports that this missense variant has a deleterious effect on protein structure/function; This variant is associated with the following publications: (PMID: 24077912)